The following is an entry in ClinVar:

NM_000081.4(LYST):c.2790C>G (p.Asp930Glu)

Gene: LYST (lysosomal trafficking regulator; minus strand). Cytogenetic location: 1q42.3.
Variant type: single nucleotide variant.
Coding change: c.2790C>G on transcript NM_000081.4 (MANE Select); coding-DNA position 2790, C replaced by G.
Protein change: p.Asp930Glu; replaces aspartic acid 930 with glutamic acid.
Molecular consequence: missense variant.
Genome position (GRCh38, 1-based): chr1:235,806,346, G>C on the plus strand (C>G on the coding strand, the complement: LYST is on the minus strand). VCF-style: chr1-235806346-G-C. GRCh37 (hg19) VCF-style: chr1-235969646-G-C.
Other names: c.2790C>G, p.Asp930Glu (NM_001301365.1); short protein forms D930E.
Identifiers: ClinVar variation 1383271 (VCV001383271.1), dbSNP rs2102863734, ClinGen allele CA344955273.
Genomic context (GRCh38, chr1:235,806,346, plus strand): 5'-GACAAGGCTCTCGAGAGATATACATGGCAGCATATGACTTAAAGGCTCGCTGGCTGTGCT[G>C]TCATAGCCAGAAGTATCTTCTGAGTCATTGGCCGACTCCCTGTCAGACTCTGCTTCTTTA-3'
Protein context (NP_000072.2, residues 920-940): ANDSEDTSGY[Asp930Glu]STASEPLSHM

ClinVar aggregate classification (germline): Uncertain significance (1 of 4 stars; one submission).

Conditions:
Chédiak-Higashi syndrome (CHS). Also called: Chediak-Higashi Syndrome. Identifiers: Orphanet 167, MedGen C0007965, MONDO:0008963, OMIM 214500.

Submission:

Labcorp Genetics (formerly Invitae), Labcorp
Classification: Uncertain significance for Chédiak-Higashi syndrome. Last evaluated: 2021-10-14. Review status: criteria provided, single submitter. Criteria: Invitae Variant Classification Sherloc (09022015). Collection method: clinical testing. Allele origin: germline.
Comment: This sequence change replaces aspartic acid with glutamic acid at codon 930 of the LYST protein (p.Asp930Glu). The aspartic acid residue is moderately conserved and there is a small physicochemical difference between aspartic acid and glutamic acid. This variant is not present in population databases (ExAC no frequency). This variant has not been reported in the literature in individuals affected with LYST-related conditions. Algorithms developed to predict the effect of missense changes on protein structure and function are either unavailable or do not agree on the potential impact of this missense change (SIFT: "Tolerated"; PolyPhen-2: "Probably Damaging"; Align-GVGD: "Class C0"). In summary, the available evidence is currently insufficient to determine the role of this variant in disease. Therefore, it has been classified as a Variant of Uncertain Significance.